The following is an entry in ClinVar:

ClinVar aggregate classification (germline): Uncertain significance (1 of 4 stars; one submission).

Conditions:
Ehlers-Danlos syndrome, classic type, 1 (EDSCL1). Also called: EHLERS-DANLOS SYNDROME, GRAVIS TYPE; EHLERS-DANLOS SYNDROME, SEVERE CLASSIC TYPE; Ehlers-Danlos syndrome, type 1; Ehlers-Danlos Syndrome, Classic Type, COL5A1-Related; EDS I. Identifiers: MedGen C0268335, MONDO:0019567, OMIM 130000.

Submission:

Labcorp Genetics (formerly Invitae), Labcorp
Classification: Uncertain significance for Ehlers-Danlos syndrome, classic type, 1. Last evaluated: 2024-12-03. Review status: criteria provided, single submitter. Criteria: Invitae Variant Classification Sherloc (09022015). Collection method: clinical testing. Allele origin: germline.
Comment: This sequence change replaces glycine, which is neutral and non-polar, with valine, which is neutral and non-polar, at codon 1095 of the COL5A2 protein (p.Gly1095Val). This variant is not present in population databases (gnomAD no frequency). This variant has not been reported in the literature in individuals affected with COL5A2-related conditions. Invitae Evidence Modeling of protein sequence and biophysical properties (such as structural, functional, and spatial information, amino acid conservation, physicochemical variation, residue mobility, and thermodynamic stability) indicates that this missense variant is expected to disrupt COL5A2 protein function with a positive predictive value of 80%. In summary, the available evidence is currently insufficient to determine the role of this variant in disease. Therefore, it has been classified as a Variant of Uncertain Significance.

NM_000393.5(COL5A2):c.3284G>T (p.Gly1095Val)

Gene: COL5A2 (collagen type V alpha 2 chain; minus strand). Cytogenetic location: 2q32.2.
Variant type: single nucleotide variant.
Coding change: c.3284G>T on transcript NM_000393.5 (MANE Select); coding-DNA position 3284, G replaced by T.
Protein change: p.Gly1095Val; replaces glycine 1095 with valine.
Molecular consequence: missense variant.
Genome position (GRCh38, 1-based): chr2:189,045,825, C>A on the plus strand (G>T on the coding strand, the complement: COL5A2 is on the minus strand). VCF-style: chr2-189045825-C-A. GRCh37 (hg19) VCF-style: chr2-189910551-C-A.
Other names: short protein forms G1095V.
Identifiers: ClinVar variation 3665241 (VCV003665241.2).
Genomic context (GRCh38, chr2:189,045,825, plus strand): 5'-CAAAACTGTCAGTGTGAAATTGACTCCCTCCTTACCGGATCTCCTCTTTGTCCTGCATCT[C>A]CTGGAGCACCCACAGGGCCAGGAGTTCCAGGGGCACCCTGAGAGCCTGGCAGACCTGCAG-3'
Protein context (NP_000384.2, residues 1085-1105): PGTPGPVGAP[Gly1095Val]DAGQRGDPGS